The following is an entry in ClinVar:

NM_001110556.2(FLNA):c.7439_7440inv (p.Pro2480Gln)

Gene: FLNA (filamin A; minus strand). Cytogenetic location: Xq28.
Variant type: Inversion.
Coding change: c.7439_7440inv on transcript NM_001110556.2 (MANE Select).
Protein change: p.Pro2480Gln; replaces proline 2480 with glutamine.
Molecular consequence: missense variant.
Genome position: GRCh38 VCF-style: chrX-154349761-AG-CT. GRCh37 (hg19) VCF-style: chrX-153578129-AG-CT.
Other names: c.7415_7416inv, p.Pro2472Gln (NM_001456.4); short protein forms P2472Q, P2480Q.
Identifiers: ClinVar variation 2004912 (VCV002004912.4), ClinGen allele CA2580101866.

ClinVar aggregate classification (germline): Uncertain significance (1 of 4 stars; one submission).

Conditions:
Oto-palato-digital syndrome, type II (OPD2). Also called: FACIOPALATOOSSEOUS SYNDROME; OPD II SYNDROME; Otopalatodigital Syndrome Type 2 (FLNA-OPD2); Otopalatodigital Syndrome, Type II. Identifiers: Orphanet 669, Orphanet 90652, MedGen C1844696, MONDO:0010571, OMIM 304120.
Melnick-Needles syndrome (MNS). Also called: MELNICK-NEEDLES OSTEODYSPLASTY; OSTEODYSPLASTY OF MELNICK AND NEEDLES; Melnick-Needles Syndrome (FLNA-MNS). Identifiers: Orphanet 2484, MedGen C0025237, MONDO:0010650, OMIM 309350.
Frontometaphyseal dysplasia (FMD1). Identifiers: Orphanet 1826, MedGen C0265293, MONDO:0015942.
Heterotopia, periventricular, X-linked dominant (PVNH1). Also called: PERIVENTRICULAR NODULAR HETEROTOPIA 1; X-linked periventricular heterotopia; PERIVENTRICULAR NODULAR HETEROTOPIA 4; HETEROTOPIA, PERIVENTRICULAR, 1. Identifiers: Orphanet 2149, Orphanet 82004, MedGen C1848213, MONDO:0010233, OMIM 300049.

Submission:

Labcorp Genetics (formerly Invitae), Labcorp
Classification: Uncertain significance for Oto-palato-digital syndrome, type II; Heterotopia, periventricular, X-linked dominant; Frontometaphyseal dysplasia; Melnick-Needles syndrome. Last evaluated: 2023-07-07. Review status: criteria provided, single submitter. Criteria: Invitae Variant Classification Sherloc (09022015). Collection method: clinical testing. Allele origin: germline.
Comment: ClinVar contains an entry for this variant (Variation ID: 2004912). In summary, the available evidence is currently insufficient to determine the role of this variant in disease. Therefore, it has been classified as a Variant of Uncertain Significance. An algorithm developed to predict the effect of missense changes on protein structure and function (PolyPhen-2) suggests that this variant is likely to be tolerated. This variant has not been reported in the literature in individuals affected with FLNA-related conditions. Information on the frequency of this variant in the gnomAD database is not available, as this variant may be reported differently in the database. This sequence change replaces proline, which is neutral and non-polar, with glutamine, which is neutral and polar, at codon 2472 of the FLNA protein (p.Pro2472Gln).